The following is an entry in ClinVar:

ClinVar aggregate classification (germline): Conflicting classifications of pathogenicity. Review status: criteria provided, conflicting classifications (1 of 4 stars). 2 submissions from 2 submitters: Uncertain significance (1); Likely benign (1). Last evaluated 2026-09-01.

Conditions:
Inborn genetic diseases. Identifiers: MedGen C0950123, MeSH D030342.

Allele frequency attached by ClinVar (database versions not stated): gnomAD exomes 0.00001; TOPMed 0.00017; ExAC 0.00002; ESP Exome Variant Server 0.00017; gnomAD 0.00017.
gnomAD v4.1: 47 of 1,614,112 alleles (0.0029%); highest among the groups gnomAD compares: African/African-American, 0.047%; no homozygotes.

Submissions (2):

Ambry Genetics
Classification: Likely benign for Inborn genetic diseases. Last evaluated: 2026-09-01. Review status: criteria provided, single submitter. Criteria: Ambry Variant Classification Scheme 2023. Collection method: clinical testing. Allele origin: germline.

Labcorp Genetics (formerly Invitae), Labcorp
Classification: Uncertain significance. Last evaluated: 2022-08-29. Review status: criteria provided, single submitter. Criteria: Invitae Variant Classification Sherloc (09022015). Collection method: clinical testing. Allele origin: germline.
Comment: This sequence change replaces glutamic acid, which is acidic and polar, with lysine, which is basic and polar, at codon 829 of the ARHGAP31 protein (p.Glu829Lys). This variant is present in population databases (rs374932040, gnomAD 0.04%). This variant has not been reported in the literature in individuals affected with ARHGAP31-related conditions. Algorithms developed to predict the effect of missense changes on protein structure and function (SIFT, PolyPhen-2, Align-GVGD) all suggest that this variant is likely to be tolerated. In summary, the available evidence is currently insufficient to determine the role of this variant in disease. Therefore, it has been classified as a Variant of Uncertain Significance.

NM_020754.4(ARHGAP31):c.2485G>A (p.Glu829Lys)

Gene: ARHGAP31 (Rho GTPase activating protein 31; plus strand). Cytogenetic location: 3q13.33.
Variant type: single nucleotide variant.
Coding change: c.2485G>A on transcript NM_020754.4 (MANE Select); coding-DNA position 2485, G replaced by A.
Protein change: p.Glu829Lys; replaces glutamic acid 829 with lysine.
Molecular consequence: missense variant.
Genome position (GRCh38, 1-based): chr3:119,414,414, G>A. VCF-style: chr3-119414414-G-A. GRCh37 (hg19) VCF-style: chr3-119133261-G-A.
Other names: short protein forms E829K.
Identifiers: ClinVar variation 2067301 (VCV002067301.7), dbSNP rs374932040, ClinGen allele CA2554050.